The following is an entry in ClinVar:

NM_058216.3(RAD51C):c.597_603del (p.Phe199fs)

Genes: RAD51C (RAD51 paralog C; plus strand), LOC129390903 (MPRA-validated peak2919 silencer; plus strand). Cytogenetic location: 17q22.
Variant type: Deletion.
Coding change: c.597_603del on transcript NM_058216.3 (MANE Select); coding-DNA positions 597 to 603, 7 bases deleted (CACTCTT; older notation c.597_603delCACTCTT).
Protein change: p.Phe199fs; shifts the reading frame from phenylalanine 199.
Molecular consequence: frameshift variant. On other transcripts: non-coding transcript variant (1).
Genome position (GRCh38, 1-based): chr17:58,703,221-58,703,227, CACTCTT deleted; deleting any 7 consecutive bases within chr17:58,703,219-58,703,227 gives the same sequence; the c. name uses the placement nearest the transcript's 3' end. VCF-style (leftmost placement, unchanged base first): chr17-58703218-TTTCACTC-T. GRCh37 (hg19) VCF-style: chr17-56780579-TTTCACTC-T.
Other names: short protein forms F199fs.
Identifiers: ClinVar variation 952558 (VCV000952558.10), dbSNP rs2048269550, ClinGen allele CA1139665728.

ClinVar aggregate classification (germline): Pathogenic (1 of 4 stars; one submission).

Conditions:
Fanconi anemia complementation group O. Also called: RAD51C-Related Fanconi Anemia. Identifiers: Orphanet 84, MedGen C3150653, MONDO:0013248, OMIM 613390.

Submission:

Labcorp Genetics (formerly Invitae), Labcorp
Classification: Pathogenic for Fanconi anemia complementation group O. Last evaluated: 2019-07-02. Review status: criteria provided, single submitter. Criteria: Invitae Variant Classification Sherloc (09022015). Collection method: clinical testing. Allele origin: germline.
Comment: This sequence change creates a premature translational stop signal (p.Phe199Leufs*38) in the RAD51C gene. It is expected to result in an absent or disrupted protein product. This variant is not present in population databases (ExAC no frequency). This variant has been observed in an individual affected with ovarian cancer (PMID: 29020732). Loss-of-function variants in RAD51C are known to be pathogenic (PMID: 20400964, 21990120, 24800917). For these reasons, this variant has been classified as Pathogenic.

Literature cited by the submitters: PubMed 29020732; PubMed 20400964; PubMed 21990120; PubMed 24800917.